The following is an entry in ClinVar:

NM_138927.4(SON):c.7239C>G (p.Ala2413=)

Gene: SON (SON DNA and RNA binding protein; plus strand). Cytogenetic location: 21q22.11.
Variant type: single nucleotide variant.
Coding change: c.7239C>G on transcript NM_138927.4 (MANE Select); coding-DNA position 7239, C replaced by G.
Protein change: p.Ala2413=; no amino-acid change (alanine 2413 retained).
Molecular consequence: synonymous variant. On other transcripts: missense variant (2).
Genome position (GRCh38, 1-based): chr21:33,576,382, C>G. VCF-style: chr21-33576382-C-G. GRCh37 (hg19) VCF-style: chr21-34948688-C-G.
Other names: c.1323C>G, p.Ala441= (NM_001291412.3); c.1324C>G, p.Pro442Ala (NM_001412132.1); c.7240C>G, p.Pro2414Ala (NM_001412133.1); short protein forms P2414A, P442A.
Identifiers: ClinVar variation 2652628 (VCV002652628.24), dbSNP rs763061888, ClinGen allele CA512197664.

ClinVar aggregate classification (germline): Uncertain significance (1 of 4 stars; one submission).

Submission:

CeGaT Center for Human Genetics Tuebingen
Classification: Uncertain significance. Last evaluated: 2023-10-01. Review status: criteria provided, single submitter. Criteria: CeGaT Center For Human Genetics Tuebingen Variant Classification Criteria Version 2. Collection method: clinical testing. Allele origin: germline. Affected: yes. Observed: 1 variant allele.
Comment: SON: PM2:Supporting, BP4